The following is an entry in ClinVar:

ClinVar aggregate classification (germline): Uncertain significance. Review status: criteria provided, multiple submitters, no conflicts (2 of 4 stars). 2 submissions from 2 submitters: Uncertain significance (2). Last evaluated 2026-02-24.

Conditions:
Intellectual developmental disorder, X-linked, syndromic, Hedera type. Also called: Syndromic X-linked intellectual disability Hedera type. Identifiers: Orphanet 93952, MedGen C1845543, MONDO:0010319, OMIM 300423.
Inborn genetic diseases. Identifiers: MedGen C0950123, MeSH D030342.

gnomAD v4.1: 2 of 1,206,956 alleles (0.00017%); highest among the groups gnomAD compares: Non-Finnish European, 0.00022%; no homozygotes.

Submissions (2):

Ambry Genetics
Classification: Uncertain significance for Inborn genetic diseases. Last evaluated: 2026-02-24. Review status: criteria provided, single submitter. Criteria: Ambry Variant Classification Scheme 2023. Collection method: clinical testing. Allele origin: germline.

Labcorp Genetics (formerly Invitae), Labcorp
Classification: Uncertain significance for Intellectual developmental disorder, X-linked, syndromic, Hedera type. Last evaluated: 2024-07-26. Review status: criteria provided, single submitter. Criteria: Invitae Variant Classification Sherloc (09022015). Collection method: clinical testing. Allele origin: germline.
Comment: This sequence change replaces tyrosine, which is neutral and polar, with cysteine, which is neutral and slightly polar, at codon 293 of the ATP6AP2 protein (p.Tyr293Cys). This variant is not present in population databases (gnomAD no frequency). This variant has not been reported in the literature in individuals affected with ATP6AP2-related conditions. Advanced modeling of protein sequence and biophysical properties (such as structural, functional, and spatial information, amino acid conservation, physicochemical variation, residue mobility, and thermodynamic stability) performed at Invitae indicates that this missense variant is expected to disrupt ATP6AP2 protein function with a positive predictive value of 80%. In summary, the available evidence is currently insufficient to determine the role of this variant in disease. Therefore, it has been classified as a Variant of Uncertain Significance.

NM_005765.3(ATP6AP2):c.878A>G (p.Tyr293Cys)

Gene: ATP6AP2 (ATPase H+ transporting accessory protein 2; plus strand). Cytogenetic location: Xp11.4.
Variant type: single nucleotide variant.
Coding change: c.878A>G on transcript NM_005765.3 (MANE Select); coding-DNA position 878, A replaced by G.
Protein change: p.Tyr293Cys; replaces tyrosine 293 with cysteine.
Molecular consequence: missense variant.
Genome position (GRCh38, 1-based): chrX:40,605,580, A>G. VCF-style: chrX-40605580-A-G. GRCh37 (hg19) VCF-style: chrX-40464832-A-G.
Other names: c.878A>G (NM_005765.2); short protein forms Y293C.
Identifiers: ClinVar variation 3688920 (VCV003688920.3).